The following is an entry in ClinVar:

ClinVar aggregate classification (germline): Likely benign. Review status: criteria provided, single submitter (1 of 4 stars). 2 submissions from 2 submitters: Likely benign (1). 1 of the submissions does not count toward it. Last evaluated 2023-11-09.

Conditions:
Primary ciliary dyskinesia. Also called: Ciliary dyskinesia. Identifiers: Orphanet 244, MedGen C0008780, MONDO:0016575, HP:0012265.
DNAH5-related disorder. Also called: DNAH5-related condition.

Allele frequency attached by ClinVar (database versions not stated): gnomAD exomes 0.00001.
gnomAD v4.1: 3 of 1,614,142 alleles (0.00019%); highest among the groups gnomAD compares: East Asian, 0.0045%; no homozygotes.

Submissions (2):

Labcorp Genetics (formerly Invitae), Labcorp
Classification: Likely benign for Primary ciliary dyskinesia. Last evaluated: 2023-11-09. Review status: criteria provided, single submitter. Criteria: Invitae Variant Classification Sherloc (09022015). Collection method: clinical testing. Allele origin: germline.

PreventionGenetics, part of Exact Sciences
Classification: Likely benign for DNAH5-related condition. Last evaluated: 2023-04-18. Review status: no assertion criteria provided. Collection method: clinical testing. Allele origin: germline. Not counted in ClinVar's aggregate classification.
Comment: This variant is classified as likely benign based on ACMG/AMP sequence variant interpretation guidelines (Richards et al. 2015 PMID: 25741868, with internal and published modifications).

NM_001369.3(DNAH5):c.5652G>A (p.Val1884=)

Gene: DNAH5 (dynein axonemal heavy chain 5; minus strand). Cytogenetic location: 5p15.2.
Variant type: single nucleotide variant.
Coding change: c.5652G>A on transcript NM_001369.3 (MANE Select); coding-DNA position 5652, G replaced by A.
Protein change: p.Val1884=; no amino-acid change (valine 1884 retained).
Molecular consequence: synonymous variant.
Genome position (GRCh38, 1-based): chr5:13,840,963, C>T on the plus strand (G>A on the coding strand, the complement: DNAH5 is on the minus strand). VCF-style: chr5-13840963-C-T. GRCh37 (hg19) VCF-style: chr5-13841072-C-T.
Other names: c.5652G>A (NM_001369.2).
Identifiers: ClinVar variation 2420104 (VCV002420104.16), dbSNP rs1194577906, ClinGen allele CA443535037.
Genomic context (GRCh38, chr5:13,840,963, plus strand): 5'-TACCAGGTCATCAAAGATATCCCTTTGGTGCACATGAATAGTAATCAGAGTCTCGTATTT[C>T]ACTCGTTCCGTGGAACTCAGATCCCTCGTGGTGACGTCTATCAATGTATTGAGTAGCTCC-3'
Protein context (NP_001360.1, residues 1874-1894): TTRDLSSTER[Val1884=]KYETLITIHV